The following is an entry in ClinVar:

ClinVar aggregate classification (germline): Uncertain significance (1 of 4 stars; one submission).

Conditions:
Inborn genetic diseases. Identifiers: MedGen C0950123, MeSH D030342.

gnomAD v4.1: 13 of 1,613,750 alleles (0.00081%); highest among the groups gnomAD compares: Non-Finnish European, 0.0011%; no homozygotes.

Submission:

Ambry Genetics
Classification: Uncertain significance for Inborn genetic diseases. Last evaluated: 2025-02-02. Review status: criteria provided, single submitter. Criteria: Ambry Variant Classification Scheme 2023. Collection method: clinical testing. Allele origin: germline.
Comment: The p.L1034F variant (also known as c.3100C>T), located in coding exon 1 of the SAMD9 gene, results from a C to T substitution at nucleotide position 3100. The leucine at codon 1034 is replaced by phenylalanine, an amino acid with highly similar properties. This amino acid position is conserved. In addition, this alteration is predicted to be tolerated by in silico analysis. Based on the available evidence, the clinical significance of this variant remains unclear.

NM_017654.4(SAMD9):c.3100C>T (p.Leu1034Phe)

Gene: SAMD9 (sterile alpha motif domain containing 9; minus strand). Cytogenetic location: 7q21.2.
Variant type: single nucleotide variant.
Coding change: c.3100C>T on transcript NM_017654.4 (MANE Select); coding-DNA position 3100, C replaced by T.
Protein change: p.Leu1034Phe; replaces leucine 1034 with phenylalanine.
Molecular consequence: missense variant.
Genome position (GRCh38, 1-based): chr7:93,102,998, G>A on the plus strand (C>T on the coding strand, the complement: SAMD9 is on the minus strand). VCF-style: chr7-93102998-G-A. GRCh37 (hg19) VCF-style: chr7-92732311-G-A.
Other names: c.3100C>T, p.Leu1034Phe (NM_001193307.2); short protein forms L1034F.
Identifiers: ClinVar variation 3792042 (VCV003792042.1).